The following is an entry in ClinVar:

ClinVar aggregate classification (germline): Uncertain significance (1 of 4 stars; one submission).

Submission:

GeneDx
Classification: Uncertain significance. Last evaluated: 2020-01-17. Review status: criteria provided, single submitter. Criteria: GeneDx Variant Classification Process June 2021. Collection method: clinical testing. Allele origin: germline. Affected: yes.
Comment: Has not been previously published as pathogenic or benign to our knowledge; Not observed in large population cohorts (Lek et al., 2016); In silico analysis, which includes protein predictors and evolutionary conservation, supports a deleterious effect; Located in one of the three hot-spot regions of the RYR2 gene, where the majority of pathogenic missense variants occur (Medeiros-Domingo et al., 2009)

NM_001035.3(RYR2):c.11885C>G (p.Ser3962Cys)

Gene: RYR2 (ryanodine receptor 2; plus strand). Cytogenetic location: 1q43.
Variant type: single nucleotide variant.
Coding change: c.11885C>G on transcript NM_001035.3 (MANE Select); coding-DNA position 11885, C replaced by G.
Protein change: p.Ser3962Cys; replaces serine 3962 with cysteine.
Molecular consequence: missense variant.
Genome position (GRCh38, 1-based): chr1:237,781,569, C>G. VCF-style: chr1-237781569-C-G. GRCh37 (hg19) VCF-style: chr1-237944869-C-G.
Other names: short protein forms S3962C.
Identifiers: ClinVar variation 1318779 (VCV001318779.2), dbSNP rs2149344803, ClinGen allele CA345410020.